The following is an entry in ClinVar:

NM_000255.4(MMUT):c.385+33A>C

Gene: MMUT (methylmalonyl-CoA mutase; minus strand). Cytogenetic location: 6p12.3.
Variant type: single nucleotide variant.
Coding change: c.385+33A>C on transcript NM_000255.4 (MANE Select); 33 bases into the intron after coding-DNA position 385, A replaced by C.
Molecular consequence: intron variant.
Genome position (GRCh38, 1-based): chr6:49,459,049, T>G on the plus strand (A>C on the coding strand, the complement: MMUT is on the minus strand). VCF-style: chr6-49459049-T-G. GRCh37 (hg19) VCF-style: chr6-49426762-T-G.
Other names: KC594084.1; KC594090.1.
Identifiers: ClinVar variation 100713 (VCV000100713.1), dbSNP rs483352786, ClinGen allele CA235528.

ClinVar aggregate classification (germline): not provided (0 of 4 stars; one submission).

Submission:

Medical Genetics Unit, Ain Shams University Pediatrics Hospital
No classification provided. Review status: no classification provided. Collection method: not provided. Allele origin: not provided.
Comment: Methylmalonic aciduria